The following is an entry in ClinVar:

ClinVar aggregate classification (germline): Conflicting classifications of pathogenicity. Review status: criteria provided, conflicting classifications (1 of 4 stars). 2 submissions from 2 submitters: Uncertain significance (1); Likely benign (1). Last evaluated 2026-01-07.

Conditions:
Inborn genetic diseases. Identifiers: MedGen C0950123, MeSH D030342.

Allele frequency attached by ClinVar (database versions not stated): TOPMed 0.00011; gnomAD 0.00012; gnomAD exomes 0.00002; ExAC 0.00002.
gnomAD v4.1: 47 of 1,614,082 alleles (0.0029%); highest among the groups gnomAD compares: Admixed American, 0.048%; no homozygotes.

Submissions (2):

Labcorp Genetics (formerly Invitae), Labcorp
Classification: Uncertain significance. Last evaluated: 2026-01-07. Review status: criteria provided, single submitter. Criteria: Invitae Variant Classification Sherloc (09022015). Collection method: clinical testing. Allele origin: germline.
Comment: This sequence change replaces lysine, which is basic and polar, with arginine, which is basic and polar, at codon 5341 of the MACF1 protein (p.Lys5341Arg). This variant is present in population databases (rs778790002, gnomAD 0.03%), and has an allele count higher than expected for a pathogenic variant. This variant has not been reported in the literature in individuals affected with MACF1-related conditions. ClinVar contains an entry for this variant (Variation ID: 2346646). An algorithm developed to predict the effect of missense changes on protein structure and function (PolyPhen-2) suggests that this variant is likely to be tolerated. In summary, the available evidence is currently insufficient to determine the role of this variant in disease. Therefore, it has been classified as a Variant of Uncertain Significance.

Ambry Genetics
Classification: Likely benign for Inborn genetic diseases. Last evaluated: 2022-11-09. Review status: criteria provided, single submitter. Criteria: Ambry Variant Classification Scheme 2023. Collection method: clinical testing. Allele origin: germline.

NM_001394062.1(MACF1):c.22397A>G (p.Lys7466Arg)

Gene: MACF1 (microtubule actin crosslinking factor 1; plus strand). Cytogenetic location: 1p34.3.
Variant type: single nucleotide variant.
Coding change: c.22397A>G on transcript NM_001394062.1 (MANE Select); coding-DNA position 22397, A replaced by G.
Protein change: p.Lys7466Arg; replaces lysine 7466 with arginine.
Molecular consequence: missense variant.
Genome position (GRCh38, 1-based): chr1:39,484,716, A>G. VCF-style: chr1-39484716-A-G. GRCh37 (hg19) VCF-style: chr1-39950388-A-G.
Other names: c.10277A>G, p.Lys3426Arg (NM_001397473.1); c.16022A>G, p.Lys5341Arg (NM_012090.5); short protein forms K5341R, K7466R, K3426R.
Identifiers: ClinVar variation 2346646 (VCV002346646.3), dbSNP rs778790002, ClinGen allele CA784878.
Genomic context (GRCh38, chr1:39,484,716, plus strand): 5'-GTCGGACATCCCTTGCTGGTGATACCAGCAATAGTTCTTCCCCGGCCTCCACAGGTGCCA[A>G]AACTAATCGGGCAGGTAAGTACCTGCCCCGTGACCTACAAGCCAGGCTGAGAATTTGGAA-3'
Protein context (NP_001380991.1, residues 7456-7476): NSSSPASTGA[Lys7466Arg]TNRADPKKSA